The following is an entry in ClinVar:

ClinVar aggregate classification (germline): Likely benign (1 of 4 stars; one submission).

Allele frequency attached by ClinVar (database versions not stated): TOPMed below 0.00001; ExAC 0.00001; gnomAD exomes 0.00001.

Submission:

CeGaT Center for Human Genetics Tuebingen
Classification: Likely benign. Last evaluated: 2024-01-01. Review status: criteria provided, single submitter. Criteria: CeGaT Center For Human Genetics Tuebingen Variant Classification Criteria Version 2. Collection method: clinical testing. Allele origin: germline. Affected: yes. Observed: 1 variant allele.
Comment: KLHL9: BP4, BP7

NM_018847.4(KLHL9):c.975A>G (p.Gln325=)

Gene: KLHL9 (kelch like family member 9; minus strand). Cytogenetic location: 9p21.3.
Variant type: single nucleotide variant.
Coding change: c.975A>G on transcript NM_018847.4 (MANE Select); coding-DNA position 975, A replaced by G.
Protein change: p.Gln325=; no amino-acid change (glutamine 325 retained).
Molecular consequence: synonymous variant.
Genome position (GRCh38, 1-based): chr9:21,333,885, T>C on the plus strand (A>G on the coding strand, the complement: KLHL9 is on the minus strand). VCF-style: chr9-21333885-T-C. GRCh37 (hg19) VCF-style: chr9-21333884-T-C.
Identifiers: ClinVar variation 3025717 (VCV003025717.22), dbSNP rs777005831, ClinGen allele CA5010561.
Genomic context (GRCh38, chr9:21,333,885, plus strand): 5'-AATGACAGCAATACCATGCTGGTAACGGGGAGCATCCATTGGGGCTAAAGATCTCCATTC[T>C]TGTGCCCTTTCATCATACATCCGTAATTCTTTACTGACAACCAGCTGCTGCCTCAAAACT-3'
Protein context (NP_061335.1, residues 315-335): KELRMYDERA[Gln325=]EWRSLAPMDA